The following is an entry in ClinVar:

ClinVar aggregate classification (germline): Uncertain significance (1 of 4 stars; one submission).

Conditions:
Tatton-Brown-Rahman overgrowth syndrome. Also called: Tatton-Brown-Rahman syndrome; Tall stature-intellectual disability-facial dysmorphism syndrome. Identifiers: Orphanet 404443, MedGen C4014545, MONDO:0014382, OMIM 615879.

Allele frequency attached by ClinVar (database versions not stated): gnomAD exomes below 0.00001.
gnomAD v4.1: 1 of 1,597,400 alleles (0.000063%); highest among the groups gnomAD compares: South Asian, 0.0011%; no homozygotes.

Submission:

Labcorp Genetics (formerly Invitae), Labcorp
Classification: Uncertain significance for Tatton-Brown-Rahman overgrowth syndrome. Last evaluated: 2024-05-18. Review status: criteria provided, single submitter. Criteria: Invitae Variant Classification Sherloc (09022015). Collection method: clinical testing. Allele origin: germline.
Comment: This sequence change replaces methionine, which is neutral and non-polar, with valine, which is neutral and non-polar, at codon 78 of the DNMT3A protein (p.Met78Val). This variant is not present in population databases (gnomAD no frequency). This variant has not been reported in the literature in individuals affected with DNMT3A-related conditions. ClinVar contains an entry for this variant (Variation ID: 2112337). Algorithms developed to predict the effect of missense changes on protein structure and function output the following: SIFT: "Not Available"; PolyPhen-2: "Benign"; Align-GVGD: "Not Available". The valine amino acid residue is found in multiple mammalian species, which suggests that this missense change does not adversely affect protein function. In summary, the available evidence is currently insufficient to determine the role of this variant in disease. Therefore, it has been classified as a Variant of Uncertain Significance.

NM_022552.5(DNMT3A):c.232A>G (p.Met78Val)

Gene: DNMT3A (DNA methyltransferase 3 alpha; minus strand). Cytogenetic location: 2p23.3.
Variant type: single nucleotide variant.
Coding change: c.232A>G on transcript NM_022552.5 (MANE Select); coding-DNA position 232, A replaced by G.
Protein change: p.Met78Val; replaces methionine 78 with valine.
Molecular consequence: missense variant. On other transcripts: non-coding transcript variant (1).
Genome position (GRCh38, 1-based): chr2:25,282,657, T>C on the plus strand (A>G on the coding strand, the complement: DNMT3A is on the minus strand). VCF-style: chr2-25282657-T-C. GRCh37 (hg19) VCF-style: chr2-25505526-T-C.
Other names: c.232A>G, p.Met78Val (NM_001320892.2, NM_175629.2, NM_175630.1); short protein forms M78V.
Identifiers: ClinVar variation 2112337 (VCV002112337.4), dbSNP rs2465822722, ClinGen allele CA346084098.